The following is an entry in ClinVar:

NM_003823.4(TNFRSF6B):c.131G>C (p.Gly44Ala)

Genes: TNFRSF6B (TNF receptor superfamily member 6b; plus strand), RTEL1-TNFRSF6B (RTEL1-TNFRSF6B readthrough (NMD candidate); plus strand). Cytogenetic location: 20q13.33.
Variant type: single nucleotide variant.
Coding change: c.131G>C on transcript NM_003823.4 (MANE Select); coding-DNA position 131, G replaced by C.
Protein change: p.Gly44Ala; replaces glycine 44 with alanine.
Molecular consequence: missense variant. On other transcripts: non-coding transcript variant (1).
Genome position (GRCh38, 1-based): chr20:63,696,898, G>C. VCF-style: chr20-63696898-G-C. GRCh37 (hg19) VCF-style: chr20-62328251-G-C.
Other names: short protein forms G44A.
Identifiers: ClinVar variation 1494370 (VCV001494370.6), dbSNP rs776519069, ClinGen allele CA9966330.
Genomic context (GRCh38, chr20:63,696,898, plus strand): 5'-TGCCGGCTGTACGCGGAGTGGCAGAAACACCCACCTACCCCTGGCGGGACGCAGAGACAG[G>C]GGAGCGGCTGGTGTGCGCCCAGTGCCCCCCAGGCACCTTTGTGCAGCGGCCGTGCCGCCG-3'
Protein context (NP_003814.1, residues 34-54): PTYPWRDAET[Gly44Ala]ERLVCAQCPP

ClinVar aggregate classification (germline): Uncertain significance (1 of 4 stars; one submission).

Allele frequency attached by ClinVar (database versions not stated): gnomAD exomes below 0.00001; TOPMed below 0.00001; ExAC 0.00001; gnomAD 0.00001.
gnomAD v4.1: 5 of 1,610,842 alleles (0.00031%); highest among the groups gnomAD compares: Non-Finnish European, 0.00042%; no homozygotes.

Submission:

Labcorp Genetics (formerly Invitae), Labcorp
Classification: Uncertain significance. Last evaluated: 2024-05-28. Review status: criteria provided, single submitter. Criteria: Invitae Variant Classification Sherloc (09022015). Collection method: clinical testing. Allele origin: germline.
Comment: This sequence change replaces glycine, which is neutral and non-polar, with alanine, which is neutral and non-polar, at codon 44 of the TNFRSF6B protein (p.Gly44Ala). This variant is present in population databases (rs776519069, gnomAD 0.001%). This variant has not been reported in the literature in individuals affected with TNFRSF6B-related conditions. ClinVar contains an entry for this variant (Variation ID: 1494370). An algorithm developed to predict the effect of missense changes on protein structure and function (PolyPhen-2) suggests that this variant is likely to be tolerated. In summary, the available evidence is currently insufficient to determine the role of this variant in disease. Therefore, it has been classified as a Variant of Uncertain Significance.